The following is an entry in ClinVar:

NM_001401501.2(MUC16):c.42939C>T (p.Pro14313=)

Gene: MUC16 (mucin 16, cell surface associated; minus strand). Cytogenetic location: 19p13.2.
Variant type: single nucleotide variant.
Coding change: c.42939C>T on transcript NM_001401501.2 (MANE Select); coding-DNA position 42939, C replaced by T.
Protein change: p.Pro14313=; no amino-acid change (proline 14313 retained).
Molecular consequence: synonymous variant.
Genome position (GRCh38, 1-based): chr19:8,891,159, G>A on the plus strand (C>T on the coding strand, the complement: MUC16 is on the minus strand). VCF-style: chr19-8891159-G-A. GRCh37 (hg19) VCF-style: chr19-9001835-G-A.
Other names: c.43365C>T, p.Pro14455= (NM_001414686.1); c.42819C>T, p.Pro14273= (NM_001414687.1); c.40413C>T, p.Pro13471= (NM_024690.2).
Identifiers: ClinVar variation 3060313 (VCV003060313.2), dbSNP rs12985778, ClinGen allele CA9163384.

ClinVar aggregate classification (germline): Benign (0 of 4 stars; one submission).

Conditions:
MUC16-related disorder. Also called: MUC16-related condition.

Allele frequency attached by ClinVar (database versions not stated): 1000 Genomes Project 0.59844; 1000 Genomes Project 30x 0.60228; TOPMed 0.62960; gnomAD 0.64080; ESP Exome Variant Server 0.64625; ExAC 0.67884; gnomAD exomes 0.72599.

Submission:

PreventionGenetics, part of Exact Sciences
Classification: Benign for MUC16-related condition. Last evaluated: 2024-09-12. Review status: no assertion criteria provided. Collection method: clinical testing. Allele origin: germline.
Comment: This variant is classified as benign based on ACMG/AMP sequence variant interpretation guidelines (Richards et al. 2015 PMID: 25741868, with internal and published modifications).